The following is an entry in ClinVar:

ClinVar aggregate classification (germline): Benign (1 of 4 stars; one submission).

Conditions:
Episodic ataxia type 6. Identifiers: Orphanet 209967, MedGen C2675211, MONDO:0012982, OMIM 612656.

Allele frequency attached by ClinVar (database versions not stated): 1000 Genomes Project 30x 0.02561; 1000 Genomes Project 0.02616; gnomAD 0.02684 and 0.02907; TOPMed 0.03032.

Submission:

Illumina Laboratory Services, Illumina
Classification: Benign for Episodic ataxia type 6. Last evaluated: 2018-01-13. Review status: criteria provided, single submitter. Criteria: ICSL Variant Classification Criteria 13 December 2019. Collection method: clinical testing. Allele origin: germline.
Comment: This variant was observed in the ICSL laboratory as part of a predisposition screen in an ostensibly healthy population. It had not been previously curated by ICSL or reported in the Human Gene Mutation Database (HGMD: prior to June 1st, 2018), and was therefore a candidate for classification through an automated scoring system. Utilizing variant allele frequency, disease prevalence and penetrance estimates, and inheritance mode, an automated score was calculated to assess if this variant is too frequent to cause the disease. Based on the score and internal cut-off values, a variant classified as benign is not then subjected to further curation. The score for this variant resulted in a classification of benign for this disease.

NM_004172.5(SLC1A3):c.*1415G>A

Genes: SLC1A3-AS1 (SLC1A3 antisense RNA 1; minus strand), SLC1A3 (solute carrier family 1 member 3; plus strand). Cytogenetic location: 5p13.2.
Variant type: single nucleotide variant.
Coding change: c.*1415G>A on transcript NM_004172.5 (MANE Select); 1415 bases downstream of the stop codon, G replaced by A.
Molecular consequence: 3 prime UTR variant.
Genome position (GRCh38, 1-based): chr5:36,687,684, G>A. VCF-style: chr5-36687684-G-A. GRCh37 (hg19) VCF-style: chr5-36687786-G-A.
Other names: c.*1415G>A (NM_001166695.3, NM_001289939.2, NM_001289940.2).
Identifiers: ClinVar variation 353353 (VCV000353353.5), dbSNP rs73089449, ClinGen allele CA10624411.
Genomic context (GRCh38, chr5:36,687,684, plus strand): 5'-AAAATATTTATTTGTTTTGGAATCCCACTTATCAAATCATTCAAAACTTTCAGCTGGAGT[G>A]GGGTTTGCTTTTGTTTTGTTTGTGTCCATAAGAGAAATGGTAGAAGATGAATCAGTATGA-3'